The following is an entry in ClinVar:

NM_015559.3(SETBP1):c.791A>G (p.Gln264Arg)

Gene: SETBP1 (SET binding protein 1; plus strand). Cytogenetic location: 18q12.3.
Variant type: single nucleotide variant.
Coding change: c.791A>G on transcript NM_015559.3 (MANE Select); coding-DNA position 791, A replaced by G.
Protein change: p.Gln264Arg; replaces glutamine 264 with arginine.
Molecular consequence: missense variant.
Genome position (GRCh38, 1-based): chr18:44,950,131, A>G. VCF-style: chr18-44950131-A-G. GRCh37 (hg19) VCF-style: chr18-42530096-A-G.
Other names: c.791A>G, p.Gln264Arg (NM_001379141.1, NM_001379142.1, NM_001410862.1); short protein forms Q264R.
Identifiers: ClinVar variation 1977287 (VCV001977287.5), dbSNP rs972701994, ClinGen allele CA299696324.

ClinVar aggregate classification (germline): Uncertain significance (1 of 4 stars; one submission).

Allele frequency attached by ClinVar (database versions not stated): gnomAD exomes below 0.00001.
gnomAD v4.1: 8 of 1,613,906 alleles (0.0005%); highest among the groups gnomAD compares: Non-Finnish European, 0.00051%; no homozygotes.

Submission:

Labcorp Genetics (formerly Invitae), Labcorp
Classification: Uncertain significance. Last evaluated: 2024-11-11. Review status: criteria provided, single submitter. Criteria: Invitae Variant Classification Sherloc (09022015). Collection method: clinical testing. Allele origin: germline.
Comment: This sequence change replaces glutamine, which is neutral and polar, with arginine, which is basic and polar, at codon 264 of the SETBP1 protein (p.Gln264Arg). This variant is not present in population databases (gnomAD no frequency). This variant has not been reported in the literature in individuals affected with SETBP1-related conditions. ClinVar contains an entry for this variant (Variation ID: 1977287). Invitae Evidence Modeling of protein sequence and biophysical properties (such as structural, functional, and spatial information, amino acid conservation, physicochemical variation, residue mobility, and thermodynamic stability) indicates that this missense variant is expected to disrupt SETBP1 protein function with a positive predictive value of 80%. In summary, the available evidence is currently insufficient to determine the role of this variant in disease. Therefore, it has been classified as a Variant of Uncertain Significance.